The following is an entry in ClinVar:

NM_001232.4(CASQ2):c.808A>G (p.Ile270Val)

Gene: CASQ2 (calsequestrin 2; minus strand). Cytogenetic location: 1p13.1.
Variant type: single nucleotide variant.
Coding change: c.808A>G on transcript NM_001232.4 (MANE Select); coding-DNA position 808, A replaced by G.
Protein change: p.Ile270Val; replaces isoleucine 270 with valine.
Molecular consequence: missense variant.
Genome position (GRCh38, 1-based): chr1:115,717,870, T>C on the plus strand (A>G on the coding strand, the complement: CASQ2 is on the minus strand). VCF-style: chr1-115717870-T-C. GRCh37 (hg19) VCF-style: chr1-116260491-T-C.
Other names: short protein forms I270V.
Identifiers: ClinVar variation 1761929 (VCV001761929.2), dbSNP rs1347814375, ClinGen allele CA341767866.

ClinVar aggregate classification (germline): Uncertain significance (1 of 4 stars; one submission).

Conditions:
Cardiovascular phenotype. Identifiers: MedGen CN230736.

Allele frequency attached by ClinVar (database versions not stated): gnomAD exomes below 0.00001.
gnomAD v4.1: 5 of 1,611,422 alleles (0.00031%); highest among the groups gnomAD compares: East Asian, 0.0022%; no homozygotes.

Submission:

Ambry Genetics
Classification: Uncertain significance for Cardiovascular phenotype. Last evaluated: 2020-01-07. Review status: criteria provided, single submitter. Criteria: Ambry Variant Classification Scheme 2023. Collection method: clinical testing. Allele origin: germline.
Comment: The p.I270V variant (also known as c.808A>G), located in coding exon 8 of the CASQ2 gene, results from an A to G substitution at nucleotide position 808. The isoleucine at codon 270 is replaced by valine, an amino acid with highly similar properties. This amino acid position is highly conserved in available vertebrate species. In addition, this alteration is predicted to be tolerated by in silico analysis. Since supporting evidence is limited at this time, the clinical significance of this alteration remains unclear.